The following is an entry in ClinVar:

ClinVar aggregate classification (germline): Uncertain significance (1 of 4 stars; one submission).

Allele frequency attached by ClinVar (database versions not stated): TOPMed below 0.00001.

Submission:

Labcorp Genetics (formerly Invitae), Labcorp
Classification: Uncertain significance. Last evaluated: 2024-05-15. Review status: criteria provided, single submitter. Criteria: Invitae Variant Classification Sherloc (09022015). Collection method: clinical testing. Allele origin: germline.
Comment: This sequence change replaces glycine, which is neutral and non-polar, with serine, which is neutral and polar, at codon 442 of the GCGR protein (p.Gly442Ser). This variant is present in population databases (no rsID available, gnomAD 0.005%). This variant has not been reported in the literature in individuals affected with GCGR-related conditions. ClinVar contains an entry for this variant (Variation ID: 2174836). Algorithms developed to predict the effect of missense changes on protein structure and function output the following: SIFT: "Not Available"; PolyPhen-2: "Benign"; Align-GVGD: "Not Available". The serine amino acid residue is found in multiple mammalian species, which suggests that this missense change does not adversely affect protein function. In summary, the available evidence is currently insufficient to determine the role of this variant in disease. Therefore, it has been classified as a Variant of Uncertain Significance.

NM_000160.5(GCGR):c.1324G>A (p.Gly442Ser)

Gene: GCGR (glucagon receptor; plus strand). Cytogenetic location: 17q25.3.
Variant type: single nucleotide variant.
Coding change: c.1324G>A on transcript NM_000160.5 (MANE Select); coding-DNA position 1324, G replaced by A.
Protein change: p.Gly442Ser; replaces glycine 442 with serine.
Molecular consequence: missense variant.
Genome position (GRCh38, 1-based): chr17:81,813,579, G>A. VCF-style: chr17-81813579-G-A. GRCh37 (hg19) VCF-style: chr17-79771455-G-A.
Other names: short protein forms G442S.
Identifiers: ClinVar variation 2174836 (VCV002174836.3), dbSNP rs1021042497, ClinGen allele CA295102441.